The following is an entry in ClinVar:

ClinVar aggregate classification (germline): Benign. Review status: criteria provided, multiple submitters, no conflicts (2 of 4 stars). 4 submissions from 3 submitters: Benign (4). Last evaluated 2021-05-13.

Conditions:
Optic atrophy 3 (OPA3). Also called: OPTIC ATROPHY 3, AUTOSOMAL DOMINANT; Optic atrophy, cataract, and neurologic disorder; Optic atrophy 3 with cataract. Identifiers: Orphanet 67036, MedGen C1833809, MONDO:0008133, OMIM 165300.
3-Methylglutaconic aciduria type 3 (MGCA3). Also called: OPA3, AUTOSOMAL RECESSIVE; OPTIC ATROPHY 3, AUTOSOMAL RECESSIVE; Costeff Syndrome; OPA3-Related 3-Methylglutaconic Aciduria. Identifiers: Orphanet 67047, MedGen C0574084, MONDO:0009787, OMIM 258501.

Allele frequency attached by ClinVar (database versions not stated): 1000 Genomes Project 0.76098.
gnomAD v4.1: 536,203 of 901,998 alleles (59%); highest among the groups gnomAD compares: East Asian, 84%; 146,614 homozygotes.

Submissions (4):

GeneDx
Classification: Benign. Last evaluated: 2021-05-13. Review status: criteria provided, single submitter. Criteria: GeneDx Variant Classification Process June 2021. Collection method: clinical testing. Allele origin: germline. Affected: yes.

Illumina Laboratory Services, Illumina
Classification: Benign for Optic atrophy 3. Last evaluated: 2018-01-13. Review status: criteria provided, single submitter. Criteria: ICSL Variant Classification Criteria 13 December 2019. Collection method: clinical testing. Allele origin: germline.
Comment: This variant was observed in the ICSL laboratory as part of a predisposition screen in an ostensibly healthy population. It had not been previously curated by ICSL or reported in the Human Gene Mutation Database (HGMD: prior to June 1st, 2018), and was therefore a candidate for classification through an automated scoring system. Utilizing variant allele frequency, disease prevalence and penetrance estimates, and inheritance mode, an automated score was calculated to assess if this variant is too frequent to cause the disease. Based on the score and internal cut-off values, a variant classified as benign is not then subjected to further curation. The score for this variant resulted in a classification of benign for this disease.

Illumina Laboratory Services, Illumina
Classification: Benign for 3-Methylglutaconic aciduria type 3. Last evaluated: 2018-01-13. Review status: criteria provided, single submitter. Criteria: ICSL Variant Classification Criteria 13 December 2019. Collection method: clinical testing. Allele origin: germline.
Comment: the same text as in the submission from Illumina Laboratory Services, Illumina above.

Breakthrough Genomics
Classification: Benign. Review status: criteria provided, single submitter. Criteria: ACMG Guidelines, 2015. Collection method: not provided. Allele origin: germline. Inheritance: Autosomal recessive inheritance. Affected: yes.

NM_025136.4(OPA3):c.*4857A>T

Genes: OPA3 (outer mitochondrial membrane lipid metabolism regulator OPA3; minus strand), OPA3-RTN2 (OPA3-RTN2 readthrough; minus strand). Cytogenetic location: 19q13.32.
Variant type: single nucleotide variant.
Coding change: c.*4857A>T on transcript NM_025136.4 (MANE Select); 4857 bases downstream of the stop codon, A replaced by T.
Molecular consequence: 3 prime UTR variant. On other transcripts: intron variant (1).
Genome position (GRCh38, 1-based): chr19:45,548,657, T>A on the plus strand (A>T on the coding strand, the complement: OPA3 is on the minus strand). VCF-style: chr19-45548657-T-A. GRCh37 (hg19) VCF-style: chr19-46051915-T-A.
Other names: c.143-19201A>T (NM_001017989.3).
Identifiers: ClinVar variation 329594 (VCV000329594.8), dbSNP rs4803833, ClinGen allele CA10642991.
Genomic context (GRCh38, chr19:45,548,657, plus strand): 5'-TGACCCCAGCATAGGGTGGGGCAGAGAGTGGGTAACTCAGTGAGTTTTGTGTTTTATTTT[T>A]TTTATTTTTTTTTTTTTTGCGGGAGACGCCCTACCAAGGACACTGGGTCCATGTCCCGGT-3'